The following is an entry in ClinVar:

NM_005499.3(UBA2):c.134A>G (p.Asp45Gly)

Genes: UBA2 (ubiquitin like modifier activating enzyme 2; plus strand), LOC130064191 (ATAC-STARR-seq lymphoblastoid silent region 10503; plus strand). Cytogenetic location: 19q13.11.
Variant type: single nucleotide variant.
Coding change: c.134A>G on transcript NM_005499.3 (MANE Select); coding-DNA position 134, A replaced by G.
Protein change: p.Asp45Gly; replaces aspartic acid 45 with glycine.
Molecular consequence: missense variant. On other transcripts: 5 prime UTR variant (1).
Genome position (GRCh38, 1-based): chr19:34,428,566, A>G. VCF-style: chr19-34428566-A-G. GRCh37 (hg19) VCF-style: chr19-34919471-A-G.
Other names: c.-249A>G (NM_001411139.1); short protein forms D45G.
Identifiers: ClinVar variation 4883578 (VCV004883578.2).

ClinVar aggregate classification (germline): Uncertain significance (1 of 4 stars; one submission).

Submission:

Dasa
Classification: Uncertain significance. Last evaluated: 2025-06-26. Review status: criteria provided, single submitter. Criteria: DASA Assertion Criteria. Collection method: clinical testing. Allele origin: germline.
Comment: NM_005499.3(UBA2):c.134A>G (p.Asp45Gly) is a missense variant that results in the substitution of aspartic acid with glycine. This variant is absent from population databases. Computational prediction algorithms are consistent with a benign effect. The currently available literature and clinical evidence are not sufficient to establish a definitive association between this variant and the reported condition. Therefore, this variant is classified as a variant of uncertain significance.